The following is an entry in ClinVar:

NM_001122752.2(SERPINI1):c.1201A>C (p.Asn401His)

Gene: SERPINI1 (serpin family I member 1; plus strand). Cytogenetic location: 3q26.1.
Variant type: single nucleotide variant.
Coding change: c.1201A>C on transcript NM_001122752.2 (MANE Select); coding-DNA position 1201, A replaced by C.
Protein change: p.Asn401His; replaces asparagine 401 with histidine.
Molecular consequence: missense variant.
Genome position (GRCh38, 1-based): chr3:167,825,291, A>C. VCF-style: chr3-167825291-A-C. GRCh37 (hg19) VCF-style: chr3-167543079-A-C.
Other names: c.1201A>C, p.Asn401His (NM_005025.5); short protein forms N401H.
Identifiers: ClinVar variation 1412300 (VCV001412300.8), dbSNP rs780903060, ClinGen allele CA2695019.
Genomic context (GRCh38, chr3:167,825,291, plus strand): 5'-TTCTGAACCAATACAGGTACAATTCTATTCATGGGACGAGTCATGCATCCTGAAACAATG[A>C]ACACAAGTGGACATGATTTCGAAGAACTTTAAGTTACTTTATTTGAATAACAAGGAAAAC-3'
Protein context (NP_001116224.1, residues 391-410): MGRVMHPETM[Asn401His]TSGHDFEEL

ClinVar aggregate classification (germline): Uncertain significance (1 of 4 stars; one submission).

Conditions:
Familial encephalopathy with neuroserpin inclusion bodies. Also called: ENCEPHALOPATHY, FAMILIAL, WITH COLLINS BODIES. Identifiers: Orphanet 85110, MedGen C1858680, MONDO:0011412, OMIM 604218.

Allele frequency attached by ClinVar (database versions not stated): gnomAD exomes 0.00001 and 0.00002; ExAC 0.00002.
gnomAD v4.1: 4 of 1,613,462 alleles (0.00025%); highest among the groups gnomAD compares: Admixed American, 0.0067%; no homozygotes.

Submission:

Labcorp Genetics (formerly Invitae), Labcorp
Classification: Uncertain significance for Familial encephalopathy with neuroserpin inclusion bodies. Last evaluated: 2025-12-15. Review status: criteria provided, single submitter. Criteria: Invitae Variant Classification Sherloc (09022015). Collection method: clinical testing. Allele origin: germline.
Comment: This sequence change replaces asparagine, which is neutral and polar, with histidine, which is basic and polar, at codon 401 of the SERPINI1 protein (p.Asn401His). This variant is present in population databases (rs780903060, gnomAD 0.01%). This variant has not been reported in the literature in individuals affected with SERPINI1-related conditions. ClinVar contains an entry for this variant (Variation ID: 1412300). Invitae Evidence Modeling of protein sequence and biophysical properties (such as structural, functional, and spatial information, amino acid conservation, physicochemical variation, residue mobility, and thermodynamic stability) indicates that this missense variant is not expected to disrupt SERPINI1 protein function with a negative predictive value of 95%. In summary, the available evidence is currently insufficient to determine the role of this variant in disease. Therefore, it has been classified as a Variant of Uncertain Significance.